The following is an entry in ClinVar:

ClinVar aggregate classification (germline): Uncertain significance (1 of 4 stars; one submission).

Conditions:
Immunodeficiency. Identifiers: MedGen C0021051, MONDO:0021094, HP:0002721.

Submission:

Labcorp Genetics (formerly Invitae), Labcorp
Classification: Uncertain significance for Immunodeficiency. Last evaluated: 2025-06-22. Review status: criteria provided, single submitter. Criteria: Invitae Variant Classification Sherloc (09022015). Collection method: clinical testing. Allele origin: germline.
Comment: This sequence change replaces serine, which is neutral and polar, with cysteine, which is neutral and slightly polar, at codon 1169 of the NFAT5 protein (p.Ser1169Cys). This variant is not present in population databases (gnomAD no frequency). This variant has not been reported in the literature in individuals affected with NFAT5-related conditions. An algorithm developed to predict the effect of missense changes on protein structure and function (PolyPhen-2) suggests that this variant is likely to be disruptive. In summary, the available evidence is currently insufficient to determine the role of this variant in disease. Therefore, it has been classified as a Variant of Uncertain Significance.

NM_138713.4(NFAT5):c.3788C>G (p.Ser1263Cys)

Gene: NFAT5 (nuclear factor of activated T cells 5; plus strand). Cytogenetic location: 16q22.1.
Variant type: single nucleotide variant.
Coding change: c.3788C>G on transcript NM_138713.4 (MANE Select); coding-DNA position 3788, C replaced by G.
Protein change: p.Ser1263Cys; replaces serine 1263 with cysteine.
Molecular consequence: missense variant.
Genome position (GRCh38, 1-based): chr16:69,693,613, C>G. VCF-style: chr16-69693613-C-G. GRCh37 (hg19) VCF-style: chr16-69727516-C-G.
Other names: c.3785C>G, p.Ser1262Cys (NM_001113178.3); c.3113C>G, p.Ser1038Cys (NM_001367709.1); c.3734C>G, p.Ser1245Cys (NM_006599.4); c.3506C>G, p.Ser1169Cys (NM_138714.4, NM_173214.3, NM_173215.3); short protein forms S1169C, S1245C, S1262C, S1263C, S1038C.
Identifiers: ClinVar variation 4721602 (VCV004721602.1).